The following is an entry in ClinVar:

ClinVar aggregate classification (germline): Likely benign. Review status: criteria provided, multiple submitters, no conflicts (2 of 4 stars). 3 submissions from 3 submitters: Likely benign (3). Last evaluated 2024-01-09.

Conditions:
Catecholaminergic polymorphic ventricular tachycardia 1. Also called: RYR2-Related Catecholaminergic Polymorphic Ventricular Tachycardia; VENTRICULAR TACHYCARDIA, STRESS-INDUCED POLYMORPHIC 1; VENTRICULAR TACHYCARDIA, CATECHOLAMINERGIC POLYMORPHIC, 1, WITH OR WITHOUT ATRIAL DYSFUNCTION AND/OR DILATED CARDIOMYOPATHY. Identifiers: Orphanet 3286, MedGen C1631597, MONDO:0011484, OMIM 604772.

Allele frequency attached by ClinVar (database versions not stated): gnomAD exomes below 0.00001; gnomAD 0.00001; TOPMed 0.00001.
gnomAD v4.1: 6 of 1,597,192 alleles (0.00038%); highest among the groups gnomAD compares: Non-Finnish European, 0.00051%; no homozygotes.

Submissions (3):

Labcorp Genetics (formerly Invitae), Labcorp
Classification: Likely benign for Catecholaminergic polymorphic ventricular tachycardia 1. Last evaluated: 2024-01-09. Review status: criteria provided, single submitter. Criteria: Invitae Variant Classification Sherloc (09022015). Collection method: clinical testing. Allele origin: germline.

Blueprint Genetics
Classification: Likely benign. Last evaluated: 2020-12-30. Review status: criteria provided, single submitter. Criteria: ACMG Guidelines, 2015. Collection method: clinical testing. Allele origin: germline.

Laboratory for Molecular Medicine, Mass General Brigham Personalized Medicine
Classification: Likely benign. Last evaluated: 2015-10-01. Review status: criteria provided, single submitter. Criteria: LMM Criteria. Collection method: clinical testing. Allele origin: germline. Observed: 1 variant allele.
Comment: c.8714+13A>G in intron 59 of RYR2: This variant is not expected to have clinical significance because it is not located within the splice consensus sequence.

NM_001035.3(RYR2):c.8714+13A>G

Gene: RYR2 (ryanodine receptor 2; plus strand). Cytogenetic location: 1q43.
Variant type: single nucleotide variant.
Coding change: c.8714+13A>G on transcript NM_001035.3 (MANE Select); 13 bases into the intron after coding-DNA position 8714, A replaced by G.
Molecular consequence: intron variant.
Genome position (GRCh38, 1-based): chr1:237,674,232, A>G. VCF-style: chr1-237674232-A-G. GRCh37 (hg19) VCF-style: chr1-237837532-A-G.
Identifiers: ClinVar variation 227923 (VCV000227923.9), dbSNP rs876657579, ClinGen allele CA10576407.
Genomic context (GRCh38, chr1:237,674,232, plus strand): 5'-ACAGGACATCCTCAAGTTCTTGCAGATCAATGGATATGCTGTATCCAGGTAAAAGTACAC[A>G]TACCCTAAGTACACACTCTTTTCACAAGAGTGAATATTTAAATATCTCCATCATATTTAA-3'